The following is an entry in ClinVar:

NM_021076.4(NEFH):c.871G>T (p.Glu291Ter)

Gene: NEFH (neurofilament heavy chain; plus strand). Cytogenetic location: 22q12.2.
Variant type: single nucleotide variant.
Coding change: c.871G>T on transcript NM_021076.4 (MANE Select); coding-DNA position 871, G replaced by T.
Protein change: p.Glu291Ter; replaces glutamic acid 291 with a stop codon.
Molecular consequence: nonsense.
Genome position (GRCh38, 1-based): chr22:29,481,133, G>T. VCF-style: chr22-29481133-G-T. GRCh37 (hg19) VCF-style: chr22-29877122-G-T.
Other names: c.871G>T (NM_021076.3); short protein forms E291*.
Identifiers: ClinVar variation 1396052 (VCV001396052.7), dbSNP rs1361047594, ClinGen allele CA411124283.

ClinVar aggregate classification (germline): Conflicting classifications of pathogenicity. Review status: criteria provided, conflicting classifications (1 of 4 stars). 2 submissions from 2 submitters: Uncertain significance (1); Likely benign (1). Last evaluated 2024-07-18.

Conditions:
Inborn genetic diseases. Identifiers: MedGen C0950123, MeSH D030342.

Allele frequency attached by ClinVar (database versions not stated): TOPMed below 0.00001; gnomAD 0.00001; gnomAD exomes 0.00002 and 0.00003.
gnomAD v4.1: 21 of 1,532,116 alleles (0.0014%); highest among the groups gnomAD compares: East Asian, 0.0049%; no homozygotes.

Submissions (2):

Labcorp Genetics (formerly Invitae), Labcorp
Classification: Uncertain significance. Last evaluated: 2024-07-18. Review status: criteria provided, single submitter. Criteria: Invitae Variant Classification Sherloc (09022015). Collection method: clinical testing. Allele origin: germline.
Comment: This sequence change creates a premature translational stop signal (p.Glu291*) in the NEFH gene. It is expected to result in an absent or disrupted protein product. However, the current clinical and genetic evidence is not sufficient to establish whether loss-of-function variants in NEFH cause disease. This variant is present in population databases (no rsID available, gnomAD 0.02%). This variant has not been reported in the literature in individuals affected with NEFH-related conditions. ClinVar contains an entry for this variant (Variation ID: 1396052). In summary, the available evidence is currently insufficient to determine the role of this variant in disease. Therefore, it has been classified as a Variant of Uncertain Significance.

Ambry Genetics
Classification: Likely benign for Inborn genetic diseases. Last evaluated: 2023-03-10. Review status: criteria provided, single submitter. Criteria: Ambry Variant Classification Scheme 2023. Collection method: clinical testing. Allele origin: germline.